The following is an entry in ClinVar:

NM_001033046.4(CYBC1):c.302T>C (p.Val101Ala)

Gene: CYBC1 (cytochrome b-245 chaperone 1; minus strand). Cytogenetic location: 17q25.3.
Variant type: single nucleotide variant.
Coding change: c.302T>C on transcript NM_001033046.4 (MANE Select); coding-DNA position 302, T replaced by C.
Protein change: p.Val101Ala; replaces valine 101 with alanine.
Molecular consequence: missense variant. On other transcripts: non-coding transcript variant (4).
Genome position (GRCh38, 1-based): chr17:82,444,588, A>G on the plus strand (T>C on the coding strand, the complement: CYBC1 is on the minus strand). VCF-style: chr17-82444588-A-G. GRCh37 (hg19) VCF-style: chr17-80402464-A-G.
Other names: c.302T>C, p.Val101Ala (NM_001100407.3, NM_001193653.2, NM_001193654.2 and 2 more transcripts); c.260T>C, p.Val87Ala (NM_001100408.3); short protein forms V101A, V87A.
Identifiers: ClinVar variation 1968393 (VCV001968393.5), dbSNP rs1485889492, ClinGen allele CA401608516.

ClinVar aggregate classification (germline): Uncertain significance (1 of 4 stars; one submission).

Allele frequency attached by ClinVar (database versions not stated): gnomAD exomes below 0.00001; TOPMed below 0.00001.

Submission:

Labcorp Genetics (formerly Invitae), Labcorp
Classification: Uncertain significance. Last evaluated: 2024-11-11. Review status: criteria provided, single submitter. Criteria: Invitae Variant Classification Sherloc (09022015). Collection method: clinical testing. Allele origin: germline.
Comment: This sequence change replaces valine, which is neutral and non-polar, with alanine, which is neutral and non-polar, at codon 101 of the C17orf62 protein (p.Val101Ala). This variant is present in population databases (no rsID available, gnomAD 0.0009%). This variant has not been reported in the literature in individuals affected with C17orf62-related conditions. ClinVar contains an entry for this variant (Variation ID: 1968393). An algorithm developed to predict the effect of missense changes on protein structure and function (PolyPhen-2) suggests that this variant is likely to be tolerated. In summary, the available evidence is currently insufficient to determine the role of this variant in disease. Therefore, it has been classified as a Variant of Uncertain Significance.